The following is an entry in ClinVar:

ClinVar aggregate classification (germline): Uncertain significance (1 of 4 stars; one submission).

Submission:

GeneDx
Classification: Uncertain significance. Last evaluated: 2026-02-12. Review status: criteria provided, single submitter. Criteria: GeneDx Variant Classification Process June 2021. Collection method: clinical testing. Allele origin: germline.
Comment: Not observed at significant frequency in large population cohorts (gnomAD); In-frame insertion of 4 amino acid(s) in a non-repeat region; Has not been previously published as pathogenic or benign to our knowledge

NM_013275.6(ANKRD11):c.6380_6381insTGTCGCCGGCCC (p.Pro2127_Glu2128insValAlaGlyPro)

Gene: ANKRD11 (ankyrin repeat domain 11; minus strand). Cytogenetic location: 16q24.3.
Variant type: Insertion.
Coding change: c.6380_6381insTGTCGCCGGCCC on transcript NM_013275.6 (MANE Select); coding-DNA positions 6380 to 6381, TGTCGCCGGCCC inserted.
Protein change: p.Pro2127_Glu2128insValAlaGlyPro.
Molecular consequence: inframe insertion.
Genome position: GRCh38 VCF-style: chr16-89280161-G-GGGGCCGGCGACA. GRCh37 (hg19) VCF-style: chr16-89346569-G-GGGGCCGGCGACA.
Other names: c.6380_6381insTGTCGCCGGCCC, p.Pro2127_Glu2128insValAlaGlyPro (NM_001256182.2, NM_001256183.2).
Identifiers: ClinVar variation 4975139 (VCV004975139.1).